The following is an entry in ClinVar:

ClinVar aggregate classification (germline): Pathogenic/Likely pathogenic. Review status: criteria provided, multiple submitters, no conflicts (2 of 4 stars). 2 submissions from 2 submitters: Pathogenic (1); Likely pathogenic (1). Last evaluated 2024-03-02.

Conditions:
Rhizomelic chondrodysplasia punctata type 2 (RCDP2). Also called: DIHYDROXYACETONEPHOSPHATE ACYLTRANSFERASE DEFICIENCY; PEROXISOMAL DIHYDROXYACETONEPHOSPHATE ACYLTRANSFERASE DEFICIENCY; Chondrodysplasia punctata, rhizomelic, due to dihydroxyacetonephosphate acyltransferase deficiency; glyceronephosphate O-acyltransferase (GNPAT) deficiency; DHAPAT DEFICIENCY; Glyceronephosphate O-acyltransferase deficiency. Identifiers: Orphanet 177, Orphanet 309796, MedGen C1857242, MONDO:0100273, OMIM 222765. Disease mechanism: loss of function.

gnomAD v4.1: 1 of 1,592,850 alleles (0.000063%); highest among the groups gnomAD compares: Non-Finnish European, 0.000086%; no homozygotes.

Submissions (2):

Labcorp Genetics (formerly Invitae), Labcorp
Classification: Pathogenic. Last evaluated: 2024-03-02. Review status: criteria provided, single submitter. Criteria: Invitae Variant Classification Sherloc (09022015). Collection method: clinical testing. Allele origin: germline.
Comment: This sequence change creates a premature translational stop signal (p.Tyr60*) in the GNPAT gene. It is expected to result in an absent or disrupted protein product. Loss-of-function variants in GNPAT are known to be pathogenic (PMID: 9536089, 21990100). This variant is present in population databases (no rsID available, gnomAD 0.0009%). This variant has not been reported in the literature in individuals affected with GNPAT-related conditions. For these reasons, this variant has been classified as Pathogenic.

Baylor Genetics
Classification: Likely pathogenic for Rhizomelic chondrodysplasia punctata type 2. Last evaluated: 2023-12-13. Review status: criteria provided, single submitter. Criteria: ACMG Guidelines, 2015. Collection method: clinical testing. Allele origin: unknown.

Literature cited by the submitters: PubMed 9536089 (cited by Labcorp Genetics (formerly Invitae), Labcorp); PubMed 21990100 (cited by Labcorp Genetics (formerly Invitae), Labcorp).

NM_014236.4(GNPAT):c.180T>A (p.Tyr60Ter)

Gene: GNPAT (glyceronephosphate O-acyltransferase; plus strand). Cytogenetic location: 1q42.2.
Variant type: single nucleotide variant.
Coding change: c.180T>A on transcript NM_014236.4 (MANE Select); coding-DNA position 180, T replaced by A.
Protein change: p.Tyr60Ter; replaces tyrosine 60 with a stop codon.
Molecular consequence: nonsense. On other transcripts: intron variant (1).
Genome position (GRCh38, 1-based): chr1:231,251,062, T>A. VCF-style: chr1-231251062-T-A. GRCh37 (hg19) VCF-style: chr1-231386808-T-A.
Other names: c.79-9445T>A (NM_001316350.2); short protein forms Y60*.
Identifiers: ClinVar variation 2675935 (VCV002675935.4), dbSNP rs775397251, ClinGen allele CA345230093.